The following is an entry in ClinVar:

NM_001105206.3(LAMA4):c.998C>T (p.Ala333Val)

Gene: LAMA4 (laminin subunit alpha 4; minus strand). Cytogenetic location: 6q21.
Variant type: single nucleotide variant.
Coding change: c.998C>T on transcript NM_001105206.3 (MANE Select); coding-DNA position 998, C replaced by T.
Protein change: p.Ala333Val; replaces alanine 333 with valine.
Molecular consequence: missense variant.
Genome position (GRCh38, 1-based): chr6:112,185,316, G>A on the plus strand (C>T on the coding strand, the complement: LAMA4 is on the minus strand). VCF-style: chr6-112185316-G-A. GRCh37 (hg19) VCF-style: chr6-112506518-G-A.
Other names: c.977C>T, p.Ala326Val (NM_001105207.3, NM_002290.5); short protein forms A326V, A333V.
Identifiers: ClinVar variation 1768163 (VCV001768163.6), dbSNP rs782627360, ClinGen allele CA3965925.
Genomic context (GRCh38, chr6:112,185,316, plus strand): 5'-ACGTCAGACAGAAGGCTTTTCATCGTGTTCTCAGCATTGTTGATTTGTATCTTTCTTAGG[G>A]CGTATTGGTTTTCTCTTTCTGACAATTTTGTCTGCAGAAGAATGTGTTTTGAGAATAGTC-3'
Protein context (NP_001098676.2, residues 323-343): TKLSERENQY[Ala333Val]LRKIQINNAE

ClinVar aggregate classification (germline): Conflicting classifications of pathogenicity. Review status: criteria provided, conflicting classifications (1 of 4 stars). 2 submissions from 2 submitters: Uncertain significance (1); Likely benign (1). Last evaluated 2025-07-23.

Conditions:
Cardiovascular phenotype. Identifiers: MedGen CN230736.
Dilated cardiomyopathy 1JJ (CMD1JJ). Identifiers: Orphanet 154, MedGen C3808935, MONDO:0014095, OMIM 615235.

Allele frequency attached by ClinVar (database versions not stated): gnomAD exomes below 0.00001; TOPMed below 0.00001; ExAC 0.00001; gnomAD 0.00001.
gnomAD v4.1: 8 of 1,612,802 alleles (0.0005%); highest among the groups gnomAD compares: African/African-American, 0.004%; no homozygotes.

Submissions (2):

Labcorp Genetics (formerly Invitae), Labcorp
Classification: Uncertain significance for Dilated cardiomyopathy 1JJ. Last evaluated: 2025-07-23. Review status: criteria provided, single submitter. Criteria: Invitae Variant Classification Sherloc (09022015). Collection method: clinical testing. Allele origin: germline.
Comment: This sequence change replaces alanine, which is neutral and non-polar, with valine, which is neutral and non-polar, at codon 326 of the LAMA4 protein (p.Ala326Val). This variant is present in population databases (rs782627360, gnomAD 0.0009%). This variant has not been reported in the literature in individuals affected with LAMA4-related conditions. ClinVar contains an entry for this variant (Variation ID: 1768163). An algorithm developed to predict the effect of missense changes on protein structure and function outputs the following: PolyPhen-2: "Benign". The valine amino acid residue is found in multiple mammalian species, which suggests that this missense change does not adversely affect protein function. In summary, the available evidence is currently insufficient to determine the role of this variant in disease. Therefore, it has been classified as a Variant of Uncertain Significance.

Ambry Genetics
Classification: Likely benign for Cardiovascular phenotype. Last evaluated: 2023-03-30. Review status: criteria provided, single submitter. Criteria: Ambry Variant Classification Scheme 2023. Collection method: clinical testing. Allele origin: germline.